The following is an entry in ClinVar:

NM_001042492.3(NF1):c.1215A>G (p.Thr405=)

Gene: NF1 (neurofibromin 1; plus strand). Cytogenetic location: 17q11.2.
Variant type: single nucleotide variant.
Coding change: c.1215A>G on transcript NM_001042492.3 (MANE Select); coding-DNA position 1215, A replaced by G.
Protein change: p.Thr405=; no amino-acid change (threonine 405 retained).
Molecular consequence: synonymous variant.
Genome position (GRCh38, 1-based): chr17:31,201,440, A>G. VCF-style: chr17-31201440-A-G. GRCh37 (hg19) VCF-style: chr17-29528458-A-G.
Other names: c.1215A>G, p.Thr405= (NM_000267.4, NM_001128147.3).
Identifiers: ClinVar variation 818594 (VCV000818594.13), dbSNP rs1405569320, ClinGen allele CA499220485.

ClinVar aggregate classification (germline): Benign/Likely benign. Review status: criteria provided, multiple submitters, no conflicts (2 of 4 stars). 4 submissions from 4 submitters: Benign (1); Likely benign (3). Last evaluated 2026-05-15.

Conditions:
Neurofibromatosis, type 1 (NF1). Also called: NEUROFIBROMATOSIS, TYPE I, SOMATIC; Peripheral type neurofibromatosis; VON RECKLINGHAUSEN DISEASE; Neurofibromatosis, type I. Identifiers: Orphanet 636, MedGen C0027831, MONDO:0018975, OMIM 162200. Disease mechanism: loss of function.
Cardiovascular phenotype. Identifiers: MedGen CN230736.
Hereditary cancer-predisposing syndrome. Also called: Tumor predisposition; Hereditary Cancer Syndrome; Hereditary neoplastic syndrome; Neoplastic Syndromes, Hereditary. Identifiers: Orphanet 140162, MedGen C0027672, MeSH D009386, MONDO:0015356.

Allele frequency attached by ClinVar (database versions not stated): gnomAD 0.00001; TOPMed below 0.00001.
gnomAD v4.1: 1 of 1,612,034 alleles (0.000062%); highest among the groups gnomAD compares: Admixed American, 0.0017%; no homozygotes.

Submissions (4):

Myriad Genetics, Inc.
Classification: Benign for Neurofibromatosis, type 1. Last evaluated: 2026-05-15. Review status: criteria provided, single submitter. Criteria: Myriad Autosomal Dominant, Autosomal Recessive and X-Linked Classification Criteria (2023). Collection method: clinical testing. Allele origin: unknown.
Comment: This variant is considered benign. This variant is a silent/synonymous amino acid change and it is not expected to impact splicing.

Labcorp Genetics (formerly Invitae), Labcorp
Classification: Likely benign for Neurofibromatosis, type 1. Last evaluated: 2022-10-24. Review status: criteria provided, single submitter. Criteria: Invitae Variant Classification Sherloc (09022015). Collection method: clinical testing. Allele origin: germline.

Genome-Nilou Lab
Classification: Likely benign for Neurofibromatosis, type 1. Last evaluated: 2022-03-15. Review status: criteria provided, single submitter. Criteria: ACMG Guidelines, 2015. Collection method: clinical testing. Allele origin: germline. Affected: no.

Ambry Genetics
Classification: Likely benign for Cardiovascular phenotype; Hereditary cancer-predisposing syndrome. Last evaluated: 2019-08-05. Review status: criteria provided, single submitter. Criteria: Ambry Variant Classification Scheme 2023. Collection method: clinical testing. Allele origin: germline.